The following is an entry in ClinVar:

NM_138694.4(PKHD1):c.6360G>C (p.Trp2120Cys)

Gene: PKHD1 (PKHD1 ciliary IPT domain containing fibrocystin/polyductin; minus strand). Cytogenetic location: 6p12.2.
Variant type: single nucleotide variant.
Coding change: c.6360G>C on transcript NM_138694.4 (MANE Select); coding-DNA position 6360, G replaced by C.
Protein change: p.Trp2120Cys; replaces tryptophan 2120 with cysteine.
Molecular consequence: missense variant.
Genome position (GRCh38, 1-based): chr6:51,911,929, C>G on the plus strand (G>C on the coding strand, the complement: PKHD1 is on the minus strand). VCF-style: chr6-51911929-C-G. GRCh37 (hg19) VCF-style: chr6-51776727-C-G.
Other names: c.6360G>C, p.Trp2120Cys (NM_170724.3); short protein forms W2120C.
Identifiers: ClinVar variation 943008 (VCV000943008.16), dbSNP rs1440253606, ClinGen allele CA364438866.

ClinVar aggregate classification (germline): Uncertain significance. Review status: criteria provided, multiple submitters, no conflicts (2 of 4 stars). 3 submissions from 3 submitters: Uncertain significance (2). 1 of the submissions does not count toward it. Last evaluated 2024-08-16.

Conditions:
Autosomal recessive polycystic kidney disease (ARPKD). Also called: AR polycystic kidney disease. Identifiers: Orphanet 731, Orphanet 8378, MedGen C0085548, MeSH D017044, MONDO:0009889.

Allele frequency attached by ClinVar (database versions not stated): gnomAD exomes below 0.00001.
gnomAD v4.1: 1 of 1,611,786 alleles (0.000062%); highest among the groups gnomAD compares: Non-Finnish European, 0.000085%; no homozygotes.

Submissions (3):

Blueprint Genetics
Classification: Uncertain significance. Last evaluated: 2024-08-16. Review status: criteria provided, single submitter. Criteria: ACMG Guidelines, 2015. Collection method: clinical testing. Allele origin: germline.

Labcorp Genetics (formerly Invitae), Labcorp
Classification: Uncertain significance for Autosomal recessive polycystic kidney disease. Last evaluated: 2022-08-16. Review status: criteria provided, single submitter. Criteria: Invitae Variant Classification Sherloc (09022015). Collection method: clinical testing. Allele origin: germline.
Comment: This variant is not present in population databases (gnomAD no frequency). This variant has not been reported in the literature in individuals affected with PKHD1-related conditions. ClinVar contains an entry for this variant (Variation ID: 943008). Advanced modeling of protein sequence and biophysical properties (such as structural, functional, and spatial information, amino acid conservation, physicochemical variation, residue mobility, and thermodynamic stability) performed at Invitae indicates that this missense variant is not expected to disrupt PKHD1 protein function. This sequence change replaces tryptophan, which is neutral and slightly polar, with cysteine, which is neutral and slightly polar, at codon 2120 of the PKHD1 protein (p.Trp2120Cys). In summary, the available evidence is currently insufficient to determine the role of this variant in disease. Therefore, it has been classified as a Variant of Uncertain Significance.

Natera, Inc.
Classification: Uncertain significance for Autosomal recessive polycystic kidney disease. Last evaluated: 2021-07-07. Review status: no assertion criteria provided. Collection method: clinical testing. Allele origin: germline. Not counted in ClinVar's aggregate classification.